The following is an entry in ClinVar:

ClinVar aggregate classification (germline): Uncertain significance. Review status: criteria provided, multiple submitters, no conflicts (2 of 4 stars). 2 submissions from 2 submitters: Uncertain significance (2). Last evaluated 2024-08-26.

Conditions:
Muscular dystrophy-dystroglycanopathy (congenital with brain and eye anomalies), type a, 11 (MDDGA11). Also called: Muscular dystrophy-dystroglycanopathy (congenital with brain and eye anomalies, type A, 11; WALKER-WARBURG SYNDROME OR MUSCLE-EYE-BRAIN DISEASE, B3GALNT2-RELATED; Congenital muscular dystrophy-dystroglycanopathy with brain and eye anomalies, type A11. Identifiers: Orphanet 588, Orphanet 899, MedGen C3554638, MONDO:0014071, OMIM 615181.

gnomAD v4.1: 2 of 1,461,390 alleles (0.00014%); highest among the groups gnomAD compares: South Asian, 0.0013%; no homozygotes.

Submissions (2):

Blueprint Genetics
Classification: Uncertain significance. Last evaluated: 2024-08-26. Review status: criteria provided, single submitter. Criteria: ACMG Guidelines, 2015. Collection method: clinical testing. Allele origin: germline.

Labcorp Genetics (formerly Invitae), Labcorp
Classification: Uncertain significance for Muscular dystrophy-dystroglycanopathy (congenital with brain and eye anomalies), type a, 11. Last evaluated: 2022-12-05. Review status: criteria provided, single submitter. Criteria: Invitae Variant Classification Sherloc (09022015). Collection method: clinical testing. Allele origin: germline.
Comment: In summary, the available evidence is currently insufficient to determine the role of this variant in disease. Therefore, it has been classified as a Variant of Uncertain Significance. Algorithms developed to predict the effect of missense changes on protein structure and function are either unavailable or do not agree on the potential impact of this missense change (SIFT: "Deleterious"; PolyPhen-2: "Benign"; Align-GVGD: "Class C0"). This variant has not been reported in the literature in individuals affected with B3GALNT2-related conditions. This variant is not present in population databases (gnomAD no frequency). This sequence change replaces glycine, which is neutral and non-polar, with arginine, which is basic and polar, at codon 14 of the B3GALNT2 protein (p.Gly14Arg).

NM_152490.5(B3GALNT2):c.40G>C (p.Gly14Arg)

Gene: B3GALNT2 (beta-1,3-N-acetylgalactosaminyltransferase 2; minus strand). Cytogenetic location: 1q42.3.
Variant type: single nucleotide variant.
Coding change: c.40G>C on transcript NM_152490.5 (MANE Select); coding-DNA position 40, G replaced by C.
Protein change: p.Gly14Arg; replaces glycine 14 with arginine.
Molecular consequence: missense variant.
Genome position (GRCh38, 1-based): chr1:235,504,213, C>G on the plus strand (G>C on the coding strand, the complement: B3GALNT2 is on the minus strand). VCF-style: chr1-235504213-C-G. GRCh37 (hg19) VCF-style: chr1-235667513-C-G.
Other names: c.40G>C, p.Gly14Arg (NM_001277155.3); short protein forms G14R.
Identifiers: ClinVar variation 3023926 (VCV003023926.2), dbSNP rs1030593159, ClinGen allele CA39593984.